The following is an entry in ClinVar:

ClinVar aggregate classification (germline): Uncertain significance. Review status: criteria provided, multiple submitters, no conflicts (2 of 4 stars). 3 submissions from 3 submitters: Uncertain significance (2). 1 of the submissions does not count toward it. Last evaluated 2025-07-02.

Conditions:
DNMT3A-related disorder. Also called: DNMT3A-related disorders; DNMT3A-related condition.
Tatton-Brown-Rahman overgrowth syndrome. Also called: Tall stature-intellectual disability-facial dysmorphism syndrome; Tatton-Brown-Rahman syndrome. Identifiers: Orphanet 404443, MedGen C4014545, MONDO:0014382, OMIM 615879.

Allele frequency attached by ClinVar (database versions not stated): TOPMed below 0.00001; gnomAD 0.00001; gnomAD exomes 0.00002; ExAC 0.00005.

Submissions (3):

Labcorp Genetics (formerly Invitae), Labcorp
Classification: Uncertain significance for Tatton-Brown-Rahman overgrowth syndrome. Last evaluated: 2025-07-02. Review status: criteria provided, single submitter. Criteria: Invitae Variant Classification Sherloc (09022015). Collection method: clinical testing. Allele origin: germline.
Comment: This sequence change replaces proline, which is neutral and non-polar, with leucine, which is neutral and non-polar, at codon 569 of the DNMT3A protein (p.Pro569Leu). This variant is present in population databases (rs772310511, gnomAD 0.009%). This variant has not been reported in the literature in individuals affected with DNMT3A-related conditions. ClinVar contains an entry for this variant (Variation ID: 855198). Invitae Evidence Modeling of protein sequence and biophysical properties (such as structural, functional, and spatial information, amino acid conservation, physicochemical variation, residue mobility, and thermodynamic stability) indicates that this missense variant is not expected to disrupt DNMT3A protein function with a negative predictive value of 95%. In summary, the available evidence is currently insufficient to determine the role of this variant in disease. Therefore, it has been classified as a Variant of Uncertain Significance.

GeneDx
Classification: Uncertain significance. Last evaluated: 2019-06-04. Review status: criteria provided, single submitter. Criteria: GeneDx Variant Classification Process June 2021. Collection method: clinical testing. Allele origin: germline. Affected: yes.
Comment: In silico analysis, which includes protein predictors and evolutionary conservation, supports a deleterious effect; Has not been previously published as pathogenic or benign to our knowledge

PreventionGenetics, part of Exact Sciences
Classification: Uncertain significance for DNMT3A-related condition. Last evaluated: 2024-08-28. Review status: no assertion criteria provided. Collection method: clinical testing. Allele origin: germline. Not counted in ClinVar's aggregate classification.
Comment: The DNMT3A c.1706C>T variant is predicted to result in the amino acid substitution p.Pro569Leu. To our knowledge, this variant has not been reported in the literature. This variant is reported in 0.0089% of alleles in individuals of Latino descent in gnomAD. At this time, the clinical significance of this variant is uncertain due to the absence of conclusive functional and genetic evidence.

NM_022552.5(DNMT3A):c.1706C>T (p.Pro569Leu)

Gene: DNMT3A (DNA methyltransferase 3 alpha; minus strand). Cytogenetic location: 2p23.3.
Variant type: single nucleotide variant.
Coding change: c.1706C>T on transcript NM_022552.5 (MANE Select); coding-DNA position 1706, C replaced by T.
Protein change: p.Pro569Leu; replaces proline 569 with leucine.
Molecular consequence: missense variant. On other transcripts: non-coding transcript variant (1).
Genome position (GRCh38, 1-based): chr2:25,244,300, G>A on the plus strand (C>T on the coding strand, the complement: DNMT3A is on the minus strand). VCF-style: chr2-25244300-G-A. GRCh37 (hg19) VCF-style: chr2-25467169-G-A.
Other names: c.1250C>T, p.Pro417Leu (NM_001320893.1); c.1037C>T, p.Pro346Leu (NM_001375819.1); c.1139C>T, p.Pro380Leu (NM_153759.3); c.1706C>T, p.Pro569Leu (NM_175629.2); short protein forms P346L, P417L, P380L, P569L.
Identifiers: ClinVar variation 855198 (VCV000855198.12), dbSNP rs772310511, ClinGen allele CA1555893.
Genomic context (GRCh38, chr2:25,244,300, plus strand): 5'-TTGTGCCCGCACATGTAGCAGTTCCAGGGGTCTTCCTTAATGGCTGCCTGGGCAGCCCCC[G>A]GCCCCACCAAGAGGTCCACACACTCCACGCAAAAGCACCTGGAAGGAGACCCAGTGAGCA-3'
Protein context (NP_072046.2, residues 559-579): CVECVDLLVG[Pro569Leu]GAAQAAIKED